The following is an entry in ClinVar:

NM_033380.3(COL4A5):c.2074C>A (p.Pro692Thr)

Gene: COL4A5 (collagen type IV alpha 5 chain; plus strand). Cytogenetic location: Xq22.3.
Variant type: single nucleotide variant.
Coding change: c.2074C>A on transcript NM_033380.3 (MANE Select); coding-DNA position 2074, C replaced by A.
Protein change: p.Pro692Thr; replaces proline 692 with threonine.
Molecular consequence: missense variant.
Genome position (GRCh38, 1-based): chrX:108,601,917, C>A. VCF-style: chrX-108601917-C-A. GRCh37 (hg19) VCF-style: chrX-107845147-C-A.
Other names: c.2074C>A, p.Pro692Thr (NM_000495.5); short protein forms P692T.
Identifiers: ClinVar variation 3237405 (VCV003237405.1), dbSNP rs1477011874.

ClinVar aggregate classification (germline): Uncertain significance (1 of 4 stars; one submission).

Conditions:
X-linked Alport syndrome (ATS1). Also called: NEPHROPATHY AND DEAFNESS, X-LINKED; COL4A5-Related Nephropathy. Identifiers: Orphanet 63, Orphanet 88917, MedGen C4746986, MONDO:0010520, OMIM 301050.

Submission:

Clinical Genomics Laboratory, Washington University in St. Louis
Classification: Uncertain significance for X-linked Alport syndrome. Last evaluated: 2024-04-17. Review status: criteria provided, single submitter. Criteria: ACMG Guidelines, 2015. Collection method: clinical testing. Allele origin: germline.
Comment: The COL4A5:c.2074C>A (p.Pro692Th) variant, to our knowledge, has not been reported in association with renal disease in the medical literature. This variant is absent from the general population, indicating it is not a common variant (gnomAD v2.1.1). Computational predictors are uncertain as to the impact of this variant on COL4A5 function. Due to limited information, and based on ACMG/AMP guidelines for variant interpretation (Richards S et al., PMID: 25741868), the clinical significance of this variant is uncertain at this time.